The following is an entry in ClinVar:

NM_005045.4(RELN):c.4402G>A (p.Ala1468Thr)

Gene: RELN (reelin; minus strand). Cytogenetic location: 7q22.1.
Variant type: single nucleotide variant.
Coding change: c.4402G>A on transcript NM_005045.4 (MANE Select); coding-DNA position 4402, G replaced by A.
Protein change: p.Ala1468Thr; replaces alanine 1468 with threonine.
Molecular consequence: missense variant.
Genome position (GRCh38, 1-based): chr7:103,574,201, C>T on the plus strand (G>A on the coding strand, the complement: RELN is on the minus strand). VCF-style: chr7-103574201-C-T. GRCh37 (hg19) VCF-style: chr7-103214648-C-T.
Other names: c.4402G>A, p.Ala1468Thr (NM_173054.3); short protein forms A1468T.
Identifiers: ClinVar variation 847341 (VCV000847341.9), dbSNP rs1451901900, ClinGen allele CA368750847.

ClinVar aggregate classification (germline): Uncertain significance (1 of 4 stars; one submission).

Conditions:
Norman-Roberts syndrome (LIS2). Also called: Lissencephaly 2 (Norman-Roberts type). Identifiers: Orphanet 89844, MedGen C0796089, MONDO:0009760, OMIM 257320.
Familial temporal lobe epilepsy 7. Identifiers: Orphanet 101046, MedGen C4225327, MONDO:0014639, OMIM 616436.

Allele frequency attached by ClinVar (database versions not stated): gnomAD exomes below 0.00001.

Submission:

Labcorp Genetics (formerly Invitae), Labcorp
Classification: Uncertain significance for Familial temporal lobe epilepsy 7; Norman-Roberts syndrome. Last evaluated: 2019-01-25. Review status: criteria provided, single submitter. Criteria: Invitae Variant Classification Sherloc (09022015). Collection method: clinical testing. Allele origin: germline.
Comment: In summary, the available evidence is currently insufficient to determine the role of this variant in disease. Therefore, it has been classified as a Variant of Uncertain Significance. Algorithms developed to predict the effect of missense changes on protein structure and function are either unavailable or do not agree on the potential impact of this missense change (SIFT: "Deleterious"; PolyPhen-2: "Benign"; Align-GVGD: "Class C0"). This variant has not been reported in the literature in individuals with RELN-related conditions. This variant is not present in population databases (ExAC no frequency). This sequence change replaces alanine with threonine at codon 1468 of the RELN protein (p.Ala1468Thr). The alanine residue is weakly conserved and there is a small physicochemical difference between alanine and threonine.